The following is an entry in ClinVar:

ClinVar aggregate classification (germline): Uncertain significance. Review status: criteria provided, multiple submitters, no conflicts (2 of 4 stars). 2 submissions from 2 submitters: Uncertain significance (2). Last evaluated 2025-03-29.

Conditions:
Inborn genetic diseases. Identifiers: MedGen C0950123, MeSH D030342.

Allele frequency attached by ClinVar (database versions not stated): gnomAD exomes below 0.00001.
gnomAD v4.1: 1 of 1,613,700 alleles (0.000062%); highest among the groups gnomAD compares: Non-Finnish European, 0.000085%; no homozygotes.

Submissions (2):

Labcorp Genetics (formerly Invitae), Labcorp
Classification: Uncertain significance. Last evaluated: 2025-03-29. Review status: criteria provided, single submitter. Criteria: Invitae Variant Classification Sherloc (09022015). Collection method: clinical testing. Allele origin: germline.
Comment: This sequence change replaces methionine, which is neutral and non-polar, with isoleucine, which is neutral and non-polar, at codon 2185 of the SRCAP protein (p.Met2185Ile). This variant is not present in population databases (gnomAD no frequency). This variant has not been reported in the literature in individuals affected with SRCAP-related conditions. ClinVar contains an entry for this variant (Variation ID: 1972274). Invitae Evidence Modeling of protein sequence and biophysical properties (such as structural, functional, and spatial information, amino acid conservation, physicochemical variation, residue mobility, and thermodynamic stability) indicates that this missense variant is not expected to disrupt SRCAP protein function with a negative predictive value of 80%. In summary, the available evidence is currently insufficient to determine the role of this variant in disease. Therefore, it has been classified as a Variant of Uncertain Significance.

Ambry Genetics
Classification: Uncertain significance for Inborn genetic diseases. Last evaluated: 2023-05-26. Review status: criteria provided, single submitter. Criteria: Ambry Variant Classification Scheme 2023. Collection method: clinical testing. Allele origin: germline.

NM_006662.3(SRCAP):c.6555G>T (p.Met2185Ile)

Gene: SRCAP (Snf2 related CREBBP activator protein; plus strand). Cytogenetic location: 16p11.2.
Variant type: single nucleotide variant.
Coding change: c.6555G>T on transcript NM_006662.3 (MANE Select); coding-DNA position 6555, G replaced by T.
Protein change: p.Met2185Ile; replaces methionine 2185 with isoleucine.
Molecular consequence: missense variant.
Genome position (GRCh38, 1-based): chr16:30,733,954, G>T. VCF-style: chr16-30733954-G-T. GRCh37 (hg19) VCF-style: chr16-30745275-G-T.
Other names: c.6555G>T (NM_006662.2); short protein forms M2185I.
Identifiers: ClinVar variation 1972274 (VCV001972274.7), dbSNP rs1354277669, ClinGen allele CA395625294.